The following is an entry in ClinVar:

NM_021942.6(TRAPPC11):c.3374T>C (p.Met1125Thr)

Gene: TRAPPC11 (trafficking protein particle complex subunit 11; plus strand). Cytogenetic location: 4q35.1.
Variant type: single nucleotide variant.
Coding change: c.3374T>C on transcript NM_021942.6 (MANE Select); coding-DNA position 3374, T replaced by C.
Protein change: p.Met1125Thr; replaces methionine 1125 with threonine.
Molecular consequence: missense variant. On other transcripts: synonymous variant (1).
Genome position (GRCh38, 1-based): chr4:183,712,616, T>C. VCF-style: chr4-183712616-T-C. GRCh37 (hg19) VCF-style: chr4-184633769-T-C.
Other names: c.3255T>C, p.His1085= (NM_199053.3); short protein forms M1125T.
Identifiers: ClinVar variation 1399522 (VCV001399522.8), dbSNP rs778698690, ClinGen allele CA3152520.

ClinVar aggregate classification (germline): Uncertain significance (1 of 4 stars; one submission).

Conditions:
Autosomal recessive limb-girdle muscular dystrophy type R18 (LGMDR18). Also called: MUSCULAR DYSTROPHY, LIMB-GIRDLE, AUTOSOMAL RECESSIVE 18; Autosomal recessive limb-girdle muscular dystrophy type 2S; Limb-girdle muscular dystrophy, type 2S. Identifiers: Orphanet 369840, MedGen C4517996, MONDO:0014144, OMIM 615356.

Allele frequency attached by ClinVar (database versions not stated): gnomAD exomes below 0.00001 and 0.00001; ExAC 0.00002.

Submission:

Labcorp Genetics (formerly Invitae), Labcorp
Classification: Uncertain significance for Autosomal recessive limb-girdle muscular dystrophy type R18. Last evaluated: 2022-07-19. Review status: criteria provided, single submitter. Criteria: Invitae Variant Classification Sherloc (09022015). Collection method: clinical testing. Allele origin: germline.
Comment: In summary, the available evidence is currently insufficient to determine the role of this variant in disease. Therefore, it has been classified as a Variant of Uncertain Significance. Algorithms developed to predict the effect of missense changes on protein structure and function (SIFT, PolyPhen-2, Align-GVGD) all suggest that this variant is likely to be tolerated. ClinVar contains an entry for this variant (Variation ID: 1399522). This variant has not been reported in the literature in individuals affected with TRAPPC11-related conditions. This variant is present in population databases (rs778698690, gnomAD 0.006%). This sequence change replaces methionine, which is neutral and non-polar, with threonine, which is neutral and polar, at codon 1125 of the TRAPPC11 protein (p.Met1125Thr).